The following is an entry in ClinVar:

ClinVar aggregate classification (germline): Likely benign (0 of 4 stars; one submission).

Conditions:
DMXL2-related disorder. Also called: DMXL2-related condition.

Allele frequency attached by ClinVar (database versions not stated): gnomAD exomes below 0.00001.
gnomAD v4.1: 2 of 1,614,222 alleles (0.00012%); highest among the groups gnomAD compares: Middle Eastern, 0.033%; no homozygotes.

Submission:

PreventionGenetics, part of Exact Sciences
Classification: Likely benign for DMXL2-related condition. Last evaluated: 2019-09-17. Review status: no assertion criteria provided. Collection method: clinical testing. Allele origin: germline.
Comment: This variant is classified as likely benign based on ACMG/AMP sequence variant interpretation guidelines (Richards et al. 2015 PMID: 25741868, with internal and published modifications).

NM_001378457.1(DMXL2):c.8286T>G (p.Pro2762=)

Gene: DMXL2 (Dmx like 2; minus strand). Cytogenetic location: 15q21.2.
Variant type: single nucleotide variant.
Coding change: c.8286T>G on transcript NM_001378457.1 (MANE Select); coding-DNA position 8286, T replaced by G.
Protein change: p.Pro2762=; no amino-acid change (proline 2762 retained).
Molecular consequence: synonymous variant. On other transcripts: non-coding transcript variant (2).
Genome position (GRCh38, 1-based): chr15:51,457,379, A>C on the plus strand (T>G on the coding strand, the complement: DMXL2 is on the minus strand). VCF-style: chr15-51457379-A-C. GRCh37 (hg19) VCF-style: chr15-51749576-A-C.
Other names: c.8223T>G, p.Pro2741= (NM_001174116.3); c.6312T>G, p.Pro2104= (NM_001174117.3); c.8283T>G, p.Pro2761= (NM_001378458.1); c.7998T>G, p.Pro2666= (NM_001378459.1); c.6201T>G, p.Pro2067= (NM_001378460.1); c.8220T>G, p.Pro2740= (NM_015263.5).
Identifiers: ClinVar variation 3040886 (VCV003040886.2), dbSNP rs2542992889, ClinGen allele CA490370731.